The following is an entry in ClinVar:

NM_001127222.2(CACNA1A):c.6784_6788del (p.Ser2262fs)

Gene: CACNA1A (calcium voltage-gated channel subunit alpha1 A; minus strand). Cytogenetic location: 19p13.13.
Variant type: Deletion.
Coding change: c.6784_6788del on transcript NM_001127222.2 (MANE Select); coding-DNA positions 6784 to 6788, 5 bases deleted (AGTAG; older notation c.6784_6788delAGTAG).
Protein change: p.Ser2262fs; shifts the reading frame from serine 2262.
Molecular consequence: frameshift variant. On other transcripts: splice acceptor variant (3).
Genome position (GRCh38, 1-based): chr19:13,208,046-13,208,050, CTACT deleted on the plus strand (AGTAG on the coding strand, the reverse complement: CACNA1A is on the minus strand). VCF-style (leftmost placement, unchanged base first): chr19-13208045-ACTACT-A. GRCh37 (hg19) VCF-style: chr19-13318859-ACTACT-A.
Other names: c.6802_6806del, p.Ser2268fs (NM_023035.3); c.6784-2_6786del (NM_001127221.2); c.6790-2_6792del (NM_001174080.2); c.6799-2_6801del (NM_000068.4); short protein forms S2268fs, S2262fs.
Identifiers: ClinVar variation 1993671 (VCV001993671.4), dbSNP rs2512509369, ClinGen allele CA2580096572.
Genomic context (GRCh38, chr19:13,208,045, plus strand): 5'-GCGGCCCCGCCGCGGAGTGCTGGTACCAGATGTTGAGGGGGCTGGGCTTCCACTTACGGA[ACTACT>A]GCCCTACACGAAAATTGAAACAAAGGAAATCAAAAAAAAAGATACAACAAAATCAAAGGA-3'

ClinVar aggregate classification (germline): Uncertain significance (1 of 4 stars; one submission).

Conditions:
Episodic ataxia type 2 (EA2). Also called: ATAXIA, EPISODIC, WITH NYSTAGMUS; ATAXIA, FAMILIAL PAROXYSMAL; CEREBELLAR ATAXIA, PAROXYSMAL, ACETAZOLAMIDE-RESPONSIVE; CEREBELLOPATHY, HEREDITARY PAROXYSMAL; ACETAZOLAMIDE-RESPONSIVE HEREDITARY PAROXYSMAL CEREBELLAR ATAXIA; EPISODIC ATAXIA, NYSTAGMUS-ASSOCIATED. Identifiers: Orphanet 97, MedGen C1720416, MONDO:0007163, OMIM 108500.
Developmental and epileptic encephalopathy, 42 (DEE42A). Also called: EPILEPTIC ENCEPHALOPATHY, EARLY INFANTILE, 42A; Epileptic encephalopathy, early infantile, 42; DEVELOPMENTAL AND EPILEPTIC ENCEPHALOPATHY 42A. Identifiers: MedGen C4310716, MONDO:0014917, OMIM 617106.

Submission:

Labcorp Genetics (formerly Invitae), Labcorp
Classification: Uncertain significance for Developmental and epileptic encephalopathy, 42; Episodic ataxia type 2. Last evaluated: 2022-05-12. Review status: criteria provided, single submitter. Criteria: Invitae Variant Classification Sherloc (09022015). Collection method: clinical testing. Allele origin: germline.
Comment: This sequence change disrupts the translational stop signal of the CACNA1A mRNA. This variant is not present in population databases (gnomAD no frequency). In summary, the available evidence is currently insufficient to determine the role of this variant in disease. Therefore, it has been classified as a Variant of Uncertain Significance. Algorithms developed to predict the effect of sequence changes on RNA splicing suggest that this variant may disrupt the consensus splice site. This variant has not been reported in the literature in individuals affected with CACNA1A-related conditions.